The following is an entry in ClinVar:

NM_006796.3(AFG3L2):c.2185C>G (p.Leu729Val)

Genes: AFG3L2 (AFG3 like matrix AAA peptidase subunit 2; minus strand), TUBB6 (tubulin beta 6 class V; plus strand). Cytogenetic location: 18p11.21.
Variant type: single nucleotide variant.
Coding change: c.2185C>G on transcript NM_006796.3 (MANE Select); coding-DNA position 2185, C replaced by G.
Protein change: p.Leu729Val; replaces leucine 729 with valine.
Molecular consequence: missense variant. On other transcripts: 3 prime UTR variant (1).
Genome position (GRCh38, 1-based): chr18:12,329,774, G>C on the plus strand (C>G on the coding strand, the complement: AFG3L2 is on the minus strand). VCF-style: chr18-12329774-G-C. GRCh37 (hg19) VCF-style: chr18-12329773-G-C.
Other names: c.*591G>C (NM_001303525.2); short protein forms L729V.
Identifiers: ClinVar variation 450638 (VCV000450638.10), dbSNP rs752028185, ClinGen allele CA8896245.

ClinVar aggregate classification (germline): Uncertain significance. Review status: criteria provided, multiple submitters, no conflicts (2 of 4 stars). 2 submissions from 2 submitters: Uncertain significance (2). Last evaluated 2025-03-23.

Allele frequency attached by ClinVar (database versions not stated): TOPMed below 0.00001; ExAC 0.00001.
gnomAD v4.1: 44 of 1,613,318 alleles (0.0027%); highest among the groups gnomAD compares: Non-Finnish European, 0.0036%; no homozygotes.

Submissions (2):

GeneDx
Classification: Uncertain significance. Last evaluated: 2025-03-23. Review status: criteria provided, single submitter. Criteria: GeneDx Variant Classification Process June 2021. Collection method: clinical testing. Allele origin: germline. Affected: yes.
Comment: Has not been previously published as pathogenic or benign to our knowledge; In silico analysis indicates that this missense variant does not alter protein structure/function

Labcorp Genetics (formerly Invitae), Labcorp
Classification: Uncertain significance. Last evaluated: 2022-04-28. Review status: criteria provided, single submitter. Criteria: Invitae Variant Classification Sherloc (09022015). Collection method: clinical testing. Allele origin: germline.
Comment: In summary, the available evidence is currently insufficient to determine the role of this variant in disease. Therefore, it has been classified as a Variant of Uncertain Significance. Advanced modeling of protein sequence and biophysical properties (such as structural, functional, and spatial information, amino acid conservation, physicochemical variation, residue mobility, and thermodynamic stability) performed at Invitae indicates that this missense variant is not expected to disrupt AFG3L2 protein function. ClinVar contains an entry for this variant (Variation ID: 450638). This variant has not been reported in the literature in individuals affected with AFG3L2-related conditions. This variant is present in population databases (rs752028185, gnomAD 0.006%). This sequence change replaces leucine, which is neutral and non-polar, with valine, which is neutral and non-polar, at codon 729 of the AFG3L2 protein (p.Leu729Val).